The following is an entry in ClinVar:

ClinVar aggregate classification (germline): Uncertain significance (1 of 4 stars; one submission).

Conditions:
Amyotrophic lateral sclerosis type 21. Also called: VOCAL CORD AND PHARYNGEAL DYSFUNCTION WITH DISTAL MYOPATHY; MYOPATHY, DISTAL, 2. Identifiers: Orphanet 600, Orphanet 803, MedGen C3807521, MONDO:0011632, OMIM 606070.

Submission:

Labcorp Genetics (formerly Invitae), Labcorp
Classification: Uncertain significance for Amyotrophic lateral sclerosis type 21. Last evaluated: 2024-05-06. Review status: criteria provided, single submitter. Criteria: Invitae Variant Classification Sherloc (09022015). Collection method: clinical testing. Allele origin: germline.
Comment: This sequence change replaces alanine, which is neutral and non-polar, with glutamic acid, which is acidic and polar, at codon 665 of the MATR3 protein (p.Ala665Glu). This variant is not present in population databases (gnomAD no frequency). This variant has not been reported in the literature in individuals affected with MATR3-related conditions. Advanced modeling of protein sequence and biophysical properties (such as structural, functional, and spatial information, amino acid conservation, physicochemical variation, residue mobility, and thermodynamic stability) performed at Invitae indicates that this missense variant is not expected to disrupt MATR3 protein function with a negative predictive value of 80%. In summary, the available evidence is currently insufficient to determine the role of this variant in disease. Therefore, it has been classified as a Variant of Uncertain Significance.

NM_018834.6(MATR3):c.1994C>A (p.Ala665Glu)

Genes: MATR3 (matrin 3; plus strand), LOC126807526 (CDK7 strongly-dependent group 2 enhancer GRCh37_chr5:138657767-138658966; plus strand). Cytogenetic location: 5q31.2.
Variant type: single nucleotide variant.
Coding change: c.1994C>A on transcript NM_018834.6 (MANE Select); coding-DNA position 1994, C replaced by A.
Protein change: p.Ala665Glu; replaces alanine 665 with glutamic acid.
Molecular consequence: missense variant.
Genome position (GRCh38, 1-based): chr5:139,322,813, C>A. VCF-style: chr5-139322813-C-A. GRCh37 (hg19) VCF-style: chr5-138658502-C-A.
Other names: c.1994C>A, p.Ala665Glu (NM_001194954.2, NM_001194955.2, NM_001400441.1 and 16 more transcripts); c.1130C>A, p.Ala377Glu (NM_001194956.2); c.980C>A, p.Ala327Glu (NM_001282278.2, NM_001400460.1, NM_001400462.1 and 5 more transcripts); c.1133C>A, p.Ala378Glu (NM_001400459.1); c.1094C>A, p.Ala365Glu (NM_001400461.1); short protein forms A327E, A365E, A377E, A378E, A665E.
Identifiers: ClinVar variation 3672524 (VCV003672524.2).